The following is an entry in ClinVar:

ClinVar aggregate classification (germline): Pathogenic (1 of 4 stars; one submission).

Submission:

ISCA site 14
Classification: Pathogenic. Last evaluated: 2011-08-12. Review status: criteria provided, single submitter. Criteria: Kaminsky et al. (Genet Med. 2011). Collection method: clinical testing. Allele origin: unknown. Affected: yes. Observed: 1 variant allele.
Comment: Copy number variation identified through the course of routine clinical cytogenomic testing in postnatal populations. Clinical assertions have been curated as described in Kaminsky et al. 2011.

GRCh38/hg38 22q11.21(chr22:18932429-20324240)x1

Genes: ARVCF (ARVCF delta catenin family member; minus strand), C22orf39 (chromosome 22 open reading frame 39; minus strand), CCDC188 (coiled-coil domain containing 188; minus strand), CDC45 (cell division cycle 45; plus strand), CLDN5 (claudin 5; minus strand) and 103 more. Cytogenetic location: 22q11.21.
Variant type: copy number loss.
Change: copy number 1 (one copy instead of two) of chr22:18,932,429-20,324,240 (1.39 Mb, GRCh38 coordinates, 1-based), cytogenetic band 22q11.21.
Identifiers: ClinVar variation 160932 (VCV000160932.1).